The following is an entry in ClinVar:

NM_025114.4(CEP290):c.4097T>G (p.Val1366Gly)

Gene: CEP290 (centrosomal protein 290; minus strand). Cytogenetic location: 12q21.32.
Variant type: single nucleotide variant.
Coding change: c.4097T>G on transcript NM_025114.4 (MANE Select); coding-DNA position 4097, T replaced by G.
Protein change: p.Val1366Gly; replaces valine 1366 with glycine.
Molecular consequence: missense variant.
Genome position (GRCh38, 1-based): chr12:88,087,877, A>C on the plus strand (T>G on the coding strand, the complement: CEP290 is on the minus strand). VCF-style: chr12-88087877-A-C. GRCh37 (hg19) VCF-style: chr12-88481654-A-C.
Other names: short protein forms V1366G.
Identifiers: ClinVar variation 1041660 (VCV001041660.3), dbSNP rs1270381017, ClinGen allele CA385999217.
Genomic context (GRCh38, chr12:88,087,877, plus strand): 5'-ATTGTACGTTCATATTCAGAAATTATGTTATTCAAATATTTTATTTCTTCTTTATCCTTG[A>C]CTAATTCCCGATTTAGTTTAAGTTCTTGAAGACGAAGTTCTTCTATTTTCATATGCCAGT-3'
Protein context (NP_079390.3, residues 1356-1376): LQELKLNREL[Val1366Gly]KDKEEIKYLN

ClinVar aggregate classification (germline): Uncertain significance. Review status: criteria provided, single submitter (1 of 4 stars). 2 submissions from 2 submitters: Uncertain significance (1). 1 of the submissions does not count toward it. Last evaluated 2022-06-20.

Conditions:
Joubert syndrome. Also called: Familial aplasia of the vermis; CEREBELLOPARENCHYMAL DISORDER IV; JOUBERT-BOLTSHAUSER SYNDROME. Identifiers: Orphanet 475, MedGen C5979921, MONDO:0018772.
Meckel-Gruber syndrome. Also called: Dysencephalia splachnocystica; DYSENCEPHALIA SPLANCHNOCYSTICA; GRUBER SYNDROME. Identifiers: Orphanet 564, MedGen C0265215, MONDO:0018921.
Nephronophthisis. Also called: Juvenile Nephronophthisis. Identifiers: Orphanet 655, MedGen C0687120, MONDO:0019005, HP:0000090.
Leber congenital amaurosis (LCA). Also called: Leber's amaurosis. Identifiers: Orphanet 65, MedGen C0339527, MeSH D057130, MONDO:0018998.

Allele frequency attached by ClinVar (database versions not stated): gnomAD exomes below 0.00001; TOPMed 0.00001.
gnomAD v4.1: 5 of 1,236,272 alleles (0.0004%); highest among the groups gnomAD compares: Non-Finnish European, 0.00052%; no homozygotes.

Submissions (2):

Labcorp Genetics (formerly Invitae), Labcorp
Classification: Uncertain significance for Joubert syndrome; Meckel-Gruber syndrome; Nephronophthisis. Last evaluated: 2022-06-20. Review status: criteria provided, single submitter. Criteria: Invitae Variant Classification Sherloc (09022015). Collection method: clinical testing. Allele origin: germline.
Comment: This sequence change replaces valine, which is neutral and non-polar, with glycine, which is neutral and non-polar, at codon 1366 of the CEP290 protein (p.Val1366Gly). This variant is not present in population databases (gnomAD no frequency). This variant has not been reported in the literature in individuals affected with CEP290-related conditions. ClinVar contains an entry for this variant (Variation ID: 1041660). Algorithms developed to predict the effect of missense changes on protein structure and function are either unavailable or do not agree on the potential impact of this missense change (SIFT: "Deleterious"; PolyPhen-2: "Benign"; Align-GVGD: "Class C0"). In summary, the available evidence is currently insufficient to determine the role of this variant in disease. Therefore, it has been classified as a Variant of Uncertain Significance.

Natera, Inc.
Classification: Uncertain significance for Leber congenital amaurosis. Last evaluated: 2021-02-08. Review status: no assertion criteria provided. Collection method: clinical testing. Allele origin: germline. Not counted in ClinVar's aggregate classification.